The following is an entry in ClinVar:

NM_001457.4(FLNB):c.6361A>C (p.Ile2121Leu)

Gene: FLNB (filamin B; plus strand). Cytogenetic location: 3p14.3.
Variant type: single nucleotide variant.
Coding change: c.6361A>C on transcript NM_001457.4 (MANE Select); coding-DNA position 6361, A replaced by C.
Protein change: p.Ile2121Leu; replaces isoleucine 2121 with leucine.
Molecular consequence: missense variant.
Genome position (GRCh38, 1-based): chr3:58,150,221, A>C. VCF-style: chr3-58150221-A-C. GRCh37 (hg19) VCF-style: chr3-58135948-A-C.
Other names: c.6454A>C, p.Ile2152Leu (NM_001164317.2); c.6328A>C, p.Ile2110Leu (NM_001164318.2); c.6289A>C, p.Ile2097Leu (NM_001164319.2); short protein forms I2110L, I2097L, I2121L, I2152L.
Identifiers: ClinVar variation 1953517 (VCV001953517.5), dbSNP rs2471212105, ClinGen allele CA353358314.

ClinVar aggregate classification (germline): Uncertain significance (1 of 4 stars; one submission).

Submission:

Labcorp Genetics (formerly Invitae), Labcorp
Classification: Uncertain significance. Last evaluated: 2022-06-30. Review status: criteria provided, single submitter. Criteria: Invitae Variant Classification Sherloc (09022015). Collection method: clinical testing. Allele origin: germline.
Comment: In summary, the available evidence is currently insufficient to determine the role of this variant in disease. Therefore, it has been classified as a Variant of Uncertain Significance. Advanced modeling of protein sequence and biophysical properties (such as structural, functional, and spatial information, amino acid conservation, physicochemical variation, residue mobility, and thermodynamic stability) performed at Invitae indicates that this missense variant is not expected to disrupt FLNB protein function. This variant has not been reported in the literature in individuals affected with FLNB-related conditions. This variant is not present in population databases (gnomAD no frequency). This sequence change replaces isoleucine, which is neutral and non-polar, with leucine, which is neutral and non-polar, at codon 2121 of the FLNB protein (p.Ile2121Leu).